The following is an entry in ClinVar:

NM_000059.4(BRCA2):c.5305G>T (p.Asp1769Tyr)

Gene: BRCA2 (BRCA2 DNA repair associated; plus strand). Cytogenetic location: 13q13.1.
Variant type: single nucleotide variant.
Coding change: c.5305G>T on transcript NM_000059.4 (MANE Select); coding-DNA position 5305, G replaced by T.
Protein change: p.Asp1769Tyr; replaces aspartic acid 1769 with tyrosine.
Molecular consequence: missense variant. On other transcripts: non-coding transcript variant (1), intron variant (2).
Genome position (GRCh38, 1-based): chr13:32,339,660, G>T. VCF-style: chr13-32339660-G-T. GRCh37 (hg19) VCF-style: chr13-32913797-G-T.
Other names: c.5305G>T, p.Asp1769Tyr (NM_001406719.1, NM_001406720.1, NM_001432077.1); c.1910-4898G>T (NM_001406721.1); c.425-4898G>T (NM_001406722.1); short protein forms D1769Y.
Identifiers: ClinVar variation 4856599 (VCV004856599.1).
Genomic context (GRCh38, chr13:32,339,660, plus strand): 5'-TATTCCTACCATTCTGATGAGGTATATAATGATTCAGGATATCTCTCAAAAAATAAACTT[G>T]ATTCTGGTATTGAGCCAGTATTGAAGAATGTTGAAGATCAAAAAAACACTAGTTTTTCCA-3'
Protein context (NP_000050.3, residues 1759-1779): DSGYLSKNKL[Asp1769Tyr]SGIEPVLKNV

ClinVar aggregate classification (germline): Likely benign (1 of 4 stars; one submission).

Conditions:
Breast-ovarian cancer, familial, susceptibility to, 2 (BROVCA2). Also called: BRCA2 Hereditary Breast and Ovarian Cancer. Identifiers: Orphanet 145, MedGen C2675520, MONDO:0012933, OMIM 612555. Disease mechanism: loss of function.

gnomAD v4.1: 1 of 1,612,410 alleles (0.000062%); highest among the groups gnomAD compares: South Asian, 0.0011%; no homozygotes.

Submission:

Cancer Bioinformatics and Tumour Evolution Laboratory, Monash University
Classification: Likely benign for Breast-ovarian cancer, familial, susceptibility to, 2. Last evaluated: 2026-05-01. Review status: criteria provided, single submitter. Criteria: ClinGen BRCA1 and BRCA2 Guidelines, 2024. Collection method: curation. Allele origin: germline. Inheritance: Autosomal dominant inheritance.
Comment: Missense variant outside of a functional domain with no splice impact. BRCA1 and BRCA2 VCEP guidelines recommend application of BP1_Strong (PMID: 39142283)